The following is an entry in ClinVar:

ClinVar aggregate classification (germline): Uncertain significance (1 of 4 stars; one submission).

Conditions:
Neuropathy, hereditary sensory and autonomic, type 1C. Also called: HSAN IC; HSN IC. Identifiers: Orphanet 36386, MedGen C3150896, MONDO:0013337, OMIM 613640.

gnomAD v4.1: 2 of 1,613,996 alleles (0.00012%); highest among the groups gnomAD compares: Admixed American, 0.0017%; no homozygotes.

Submission:

Labcorp Genetics (formerly Invitae), Labcorp
Classification: Uncertain significance for Neuropathy, hereditary sensory and autonomic, type 1C. Last evaluated: 2025-06-16. Review status: criteria provided, single submitter. Criteria: Invitae Variant Classification Sherloc (09022015). Collection method: clinical testing. Allele origin: germline.
Comment: This sequence change replaces glutamic acid, which is acidic and polar, with lysine, which is basic and polar, at codon 437 of the SPTLC2 protein (p.Glu437Lys). This variant is not present in population databases (gnomAD no frequency). This variant has not been reported in the literature in individuals affected with SPTLC2-related conditions. Invitae Evidence Modeling of protein sequence and biophysical properties (such as structural, functional, and spatial information, amino acid conservation, physicochemical variation, residue mobility, and thermodynamic stability) indicates that this missense variant is not expected to disrupt SPTLC2 protein function with a negative predictive value of 95%. In summary, the available evidence is currently insufficient to determine the role of this variant in disease. Therefore, it has been classified as a Variant of Uncertain Significance.

NM_004863.4(SPTLC2):c.1309G>A (p.Glu437Lys)

Gene: SPTLC2 (serine palmitoyltransferase long chain base subunit 2; minus strand). Cytogenetic location: 14q24.3.
Variant type: single nucleotide variant.
Coding change: c.1309G>A on transcript NM_004863.4 (MANE Select); coding-DNA position 1309, G replaced by A.
Protein change: p.Glu437Lys; replaces glutamic acid 437 with lysine.
Molecular consequence: missense variant.
Genome position (GRCh38, 1-based): chr14:77,521,576, C>T on the plus strand (G>A on the coding strand, the complement: SPTLC2 is on the minus strand). VCF-style: chr14-77521576-C-T. GRCh37 (hg19) VCF-style: chr14-77987919-C-T.
Other names: short protein forms E437K.
Identifiers: ClinVar variation 4738113 (VCV004738113.1).